The following is an entry in ClinVar:

NM_003924.4(PHOX2B):c.545A>G (p.Asp182Gly)

Gene: PHOX2B (paired like homeobox 2B; minus strand). Cytogenetic location: 4p13.
Variant type: single nucleotide variant.
Coding change: c.545A>G on transcript NM_003924.4 (MANE Select); coding-DNA position 545, A replaced by G.
Protein change: p.Asp182Gly; replaces aspartic acid 182 with glycine.
Molecular consequence: missense variant.
Genome position (GRCh38, 1-based): chr4:41,746,207, T>C on the plus strand (A>G on the coding strand, the complement: PHOX2B is on the minus strand). VCF-style: chr4-41746207-T-C. GRCh37 (hg19) VCF-style: chr4-41748224-T-C.
Other names: short protein forms D182G.
Identifiers: ClinVar variation 2867615 (VCV002867615.4), dbSNP rs2153112804, ClinGen allele CA356738219.
Genomic context (GRCh38, chr4:41,746,207, plus strand): 5'-GGATTGGGACCTGGGCCCCCAGTGCTGTCCGGGTCAGTGCTCTTGGCCTCTTTGCTCTCG[T>C]CGTCCCTGGAAGAGTCAGACTTTTTGCCCGAGGAGCCGTTCTTGGCCGCGGCCGCTGCGG-3'
Protein context (NP_003915.2, residues 172-192): SGKKSDSSRD[Asp182Gly]ESKEAKSTDP

ClinVar aggregate classification (germline): Uncertain significance. Review status: criteria provided, multiple submitters, no conflicts (2 of 4 stars). 2 submissions from 2 submitters: Uncertain significance (2). Last evaluated 2025-03-27.

Conditions:
Hereditary cancer-predisposing syndrome. Also called: Neoplastic Syndromes, Hereditary; Hereditary Cancer Syndrome; Hereditary neoplastic syndrome; Tumor predisposition. Identifiers: Orphanet 140162, MedGen C0027672, MeSH D009386, MONDO:0015356.
Haddad syndrome (OHD). Also called: Ondine-Hirschsprung disease. Identifiers: Orphanet 99803, MedGen C1859049, MONDO:0020493.

Submissions (2):

Ambry Genetics
Classification: Uncertain significance for Hereditary cancer-predisposing syndrome. Last evaluated: 2025-03-27. Review status: criteria provided, single submitter. Criteria: Ambry Variant Classification Scheme 2023. Collection method: clinical testing. Allele origin: germline.
Comment: The p.D182G variant (also known as c.545A>G), located in coding exon 3 of the PHOX2B gene, results from an A to G substitution at nucleotide position 545. The aspartic acid at codon 182 is replaced by glycine, an amino acid with similar properties. This amino acid position is conserved. In addition, this alteration is predicted to be tolerated by in silico analysis. Based on the available evidence, the clinical significance of this variant remains unclear.

Labcorp Genetics (formerly Invitae), Labcorp
Classification: Uncertain significance for Haddad syndrome. Last evaluated: 2023-01-06. Review status: criteria provided, single submitter. Criteria: Invitae Variant Classification Sherloc (09022015). Collection method: clinical testing. Allele origin: germline.
Comment: In summary, the available evidence is currently insufficient to determine the role of this variant in disease. Therefore, it has been classified as a Variant of Uncertain Significance. Advanced modeling of protein sequence and biophysical properties (such as structural, functional, and spatial information, amino acid conservation, physicochemical variation, residue mobility, and thermodynamic stability) performed at Invitae indicates that this missense variant is not expected to disrupt PHOX2B protein function. This variant has not been reported in the literature in individuals affected with PHOX2B-related conditions. This variant is not present in population databases (gnomAD no frequency). This sequence change replaces aspartic acid, which is acidic and polar, with glycine, which is neutral and non-polar, at codon 182 of the PHOX2B protein (p.Asp182Gly).